The following is an entry in ClinVar:

NM_152703.5(SAMD9L):c.3812T>C (p.Phe1271Ser)

Gene: SAMD9L (sterile alpha motif domain containing 9 like; minus strand). Cytogenetic location: 7q21.2.
Variant type: single nucleotide variant.
Coding change: c.3812T>C on transcript NM_152703.5 (MANE Select); coding-DNA position 3812, T replaced by C.
Protein change: p.Phe1271Ser; replaces phenylalanine 1271 with serine.
Molecular consequence: missense variant.
Genome position (GRCh38, 1-based): chr7:93,132,160, A>G on the plus strand (T>C on the coding strand, the complement: SAMD9L is on the minus strand). VCF-style: chr7-93132160-A-G. GRCh37 (hg19) VCF-style: chr7-92761473-A-G.
Other names: c.3812T>C, p.Phe1271Ser (NM_001303496.3, NM_001303497.3, NM_001303498.3 and 5 more transcripts); short protein forms F1271S.
Identifiers: ClinVar variation 3792195 (VCV003792195.1).

ClinVar aggregate classification (germline): Uncertain significance (1 of 4 stars; one submission).

Conditions:
Inborn genetic diseases. Identifiers: MedGen C0950123, MeSH D030342.

Submission:

Ambry Genetics
Classification: Uncertain significance for Inborn genetic diseases. Last evaluated: 2024-12-14. Review status: criteria provided, single submitter. Criteria: Ambry Variant Classification Scheme 2023. Collection method: clinical testing. Allele origin: germline.
Comment: The p.F1271S variant (also known as c.3812T>C), located in coding exon 1 of the SAMD9L gene, results from a T to C substitution at nucleotide position 3812. The phenylalanine at codon 1271 is replaced by serine, an amino acid with highly dissimilar properties. This amino acid position is conserved. In addition, the in silico prediction for this alteration is inconclusive. Based on the available evidence, the clinical significance of this variant remains unclear.